The following is an entry in ClinVar:

ClinVar aggregate classification (germline): Uncertain significance (1 of 4 stars; one submission).

Conditions:
Succinate-semialdehyde dehydrogenase deficiency (SSADHD). Also called: GABA METABOLIC DEFECT; SSADH DEFICIENCY; 4-HYDROXYBUTYRIC ACIDURIA; Succinic Semialdehyde Dehydrogenase Deficiency. Identifiers: Orphanet 22, MedGen C0268631, MONDO:0010083, OMIM 271980.

Allele frequency attached by ClinVar (database versions not stated): gnomAD exomes below 0.00001 and 0.00001; ExAC 0.00001.
gnomAD v4.1: 2 of 1,614,200 alleles (0.00012%); highest among the groups gnomAD compares: Admixed American, 0.0033%; no homozygotes.

Submission:

Labcorp Genetics (formerly Invitae), Labcorp
Classification: Uncertain significance for Succinate-semialdehyde dehydrogenase deficiency. Last evaluated: 2025-04-08. Review status: criteria provided, single submitter. Criteria: Invitae Variant Classification Sherloc (09022015). Collection method: clinical testing. Allele origin: germline.
Comment: This sequence change replaces glycine, which is neutral and non-polar, with aspartic acid, which is acidic and polar, at codon 308 of the ALDH5A1 protein (p.Gly308Asp). This variant is present in population databases (rs766161222, gnomAD 0.006%). This variant has not been reported in the literature in individuals affected with ALDH5A1-related conditions. ClinVar contains an entry for this variant (Variation ID: 1446689). Invitae Evidence Modeling of protein sequence and biophysical properties (such as structural, functional, and spatial information, amino acid conservation, physicochemical variation, residue mobility, and thermodynamic stability) has been performed for this missense variant. However, the output from this modeling did not meet the statistical confidence thresholds required to predict the impact of this variant on ALDH5A1 protein function. In summary, the available evidence is currently insufficient to determine the role of this variant in disease. Therefore, it has been classified as a Variant of Uncertain Significance.

NM_001080.3(ALDH5A1):c.923G>A (p.Gly308Asp)

Gene: ALDH5A1 (aldehyde dehydrogenase 5 family member A1; plus strand). Cytogenetic location: 6p22.3.
Variant type: single nucleotide variant.
Coding change: c.923G>A on transcript NM_001080.3 (MANE Select); coding-DNA position 923, G replaced by A.
Protein change: p.Gly308Asp; replaces glycine 308 with aspartic acid.
Molecular consequence: missense variant.
Genome position (GRCh38, 1-based): chr6:24,520,453, G>A. VCF-style: chr6-24520453-G-A. GRCh37 (hg19) VCF-style: chr6-24520681-G-A.
Other names: c.779G>A, p.Gly260Asp (NM_001368954.1); c.962G>A, p.Gly321Asp (NM_170740.1); short protein forms G260D, G308D, G321D.
Identifiers: ClinVar variation 1446689 (VCV001446689.7), dbSNP rs766161222, ClinGen allele CA3656795.